The following is an entry in ClinVar:

NM_000215.4(JAK3):c.3160C>A (p.Leu1054Met)

Gene: JAK3 (Janus kinase 3; minus strand). Cytogenetic location: 19p13.11.
Variant type: single nucleotide variant.
Coding change: c.3160C>A on transcript NM_000215.4 (MANE Select); coding-DNA position 3160, C replaced by A.
Protein change: p.Leu1054Met; replaces leucine 1054 with methionine.
Molecular consequence: missense variant.
Genome position (GRCh38, 1-based): chr19:17,830,155, G>T on the plus strand (C>A on the coding strand, the complement: JAK3 is on the minus strand). VCF-style: chr19-17830155-G-T. GRCh37 (hg19) VCF-style: chr19-17940964-G-T.
Other names: short protein forms L1054M.
Identifiers: ClinVar variation 2009566 (VCV002009566.1), dbSNP rs202149893, ClinGen allele CA9301406.
Genomic context (GRCh38, chr19:17,830,155, plus strand): 5'-CTGCGGCGCTCACCTCAGCAGGGCAGGCAGGAGGCGCCGGCAGCCTCTGGCCCTCCTCCA[G>T]CAGTTCCAAGAGGCGGCAGAGGGCGGGGACATCCCGCTCACATCCCATCATCCGCAGGAA-3'
Protein context (NP_000206.2, residues 1044-1064): VPALCRLLEL[Leu1054Met]EEGQRLPAPP

ClinVar aggregate classification (germline): Uncertain significance (1 of 4 stars; one submission).

Conditions:
T-B+ severe combined immunodeficiency due to JAK3 deficiency. Also called: SCID, T CELL-NEGATIVE, B CELL-POSITIVE, NK CELL-NEGATIVE; SCID, autosomal recessive, T-negative/B-positive type. Identifiers: Orphanet 35078, MedGen C1833275, MONDO:0010938, OMIM 600802.

Allele frequency attached by ClinVar (database versions not stated): TOPMed 0.00001.
gnomAD v4.1: 13 of 1,596,158 alleles (0.00081%); highest among the groups gnomAD compares: Non-Finnish European, 0.001%; no homozygotes.

Submission:

Labcorp Genetics (formerly Invitae), Labcorp
Classification: Uncertain significance for T-B+ severe combined immunodeficiency due to JAK3 deficiency. Last evaluated: 2022-07-05. Review status: criteria provided, single submitter. Criteria: Invitae Variant Classification Sherloc (09022015). Collection method: clinical testing. Allele origin: germline.
Comment: This sequence change replaces leucine, which is neutral and non-polar, with methionine, which is neutral and non-polar, at codon 1054 of the JAK3 protein (p.Leu1054Met). The frequency data for this variant in the population databases is considered unreliable, as metrics indicate poor data quality at this position in the gnomAD database. This variant has not been reported in the literature in individuals affected with JAK3-related conditions. Advanced modeling of protein sequence and biophysical properties (such as structural, functional, and spatial information, amino acid conservation, physicochemical variation, residue mobility, and thermodynamic stability) performed at Invitae indicates that this missense variant is not expected to disrupt JAK3 protein function. In summary, the available evidence is currently insufficient to determine the role of this variant in disease. Therefore, it has been classified as a Variant of Uncertain Significance.